The following is an entry in ClinVar:

NM_015978.3(TNNI3K):c.2029A>C (p.Met677Leu)

Genes: FPGT-TNNI3K (FPGT-TNNI3K readthrough; plus strand), TNNI3K (TNNI3 interacting kinase; plus strand). Cytogenetic location: 1p31.1.
Variant type: single nucleotide variant.
Coding change: c.2029A>C on transcript NM_015978.3 (MANE Select); coding-DNA position 2029, A replaced by C.
Protein change: p.Met677Leu; replaces methionine 677 with leucine.
Molecular consequence: missense variant.
Genome position (GRCh38, 1-based): chr1:74,463,458, A>C. VCF-style: chr1-74463458-A-C. GRCh37 (hg19) VCF-style: chr1-74929142-A-C.
Other names: c.2332A>C, p.Met778Leu (NM_001112808.3, NM_001199327.2); short protein forms M677L, M778L.
Identifiers: ClinVar variation 3611041 (VCV003611041.2).

ClinVar aggregate classification (germline): Uncertain significance (1 of 4 stars; one submission).

gnomAD v4.1: 4 of 1,614,234 alleles (0.00025%); highest among the groups gnomAD compares: Admixed American, 0.0017%; no homozygotes.

Submission:

Labcorp Genetics (formerly Invitae), Labcorp
Classification: Uncertain significance. Last evaluated: 2024-10-31. Review status: criteria provided, single submitter. Criteria: Invitae Variant Classification Sherloc (09022015). Collection method: clinical testing. Allele origin: germline.
Comment: This sequence change replaces methionine, which is neutral and non-polar, with leucine, which is neutral and non-polar, at codon 677 of the TNNI3K protein (p.Met677Leu). This variant is not present in population databases (gnomAD no frequency). This variant has not been reported in the literature in individuals affected with TNNI3K-related conditions. An algorithm developed to predict the effect of missense changes on protein structure and function (PolyPhen-2) suggests that this variant is likely to be disruptive. In summary, the available evidence is currently insufficient to determine the role of this variant in disease. Therefore, it has been classified as a Variant of Uncertain Significance.